The following is an entry in ClinVar:

NM_014254.3(RXYLT1):c.482_489del (p.Asn161fs)

Gene: RXYLT1 (ribitol xylosyltransferase 1; plus strand). Cytogenetic location: 12q14.2.
Variant type: Deletion.
Coding change: c.482_489del on transcript NM_014254.3 (MANE Select); coding-DNA positions 482 to 489, 8 bases deleted (ATGTGGTA; older notation c.482_489delATGTGGTA).
Protein change: p.Asn161fs; shifts the reading frame from asparagine 161.
Molecular consequence: frameshift variant. On other transcripts: 5 prime UTR variant (1).
Genome position (GRCh38, 1-based): chr12:63,802,144-63,802,151, ATGTGGTA deleted; deleting any 8 consecutive bases within chr12:63,802,142-63,802,151 gives the same sequence; the c. name uses the placement nearest the transcript's 3' end. VCF-style (leftmost placement, unchanged base first): chr12-63802141-ATAATGTGG-A. GRCh37 (hg19) VCF-style: chr12-64195921-ATAATGTGG-A.
Other names: c.-299_-292del (NM_001278237.2); short protein forms N161fs.
Identifiers: ClinVar variation 2833523 (VCV002833523.3), dbSNP rs771809673, ClinGen allele CA6666119.
Genomic context (GRCh38, chr12:63,802,141, plus strand): 5'-TTTTTAACAGCTTCATCACTGGTCCAGCTGTAATACCAGGGTACTTCTCCGTTGATGTGA[ATAATGTGG>A]TACTCATTTTAAATGGAAGAGAAAAAGCAAAGATCTTTTATGCCACCCAGTGGTTACTTT-3'

ClinVar aggregate classification (germline): Pathogenic (1 of 4 stars; one submission).

Submission:

Labcorp Genetics (formerly Invitae), Labcorp
Classification: Pathogenic. Last evaluated: 2023-02-01. Review status: criteria provided, single submitter. Criteria: Invitae Variant Classification Sherloc (09022015). Collection method: clinical testing. Allele origin: germline.
Comment: This sequence change creates a premature translational stop signal (p.Asn161Thrfs*41) in the RXYLT1 gene. It is expected to result in an absent or disrupted protein product. Loss-of-function variants in RXYLT1 are known to be pathogenic (PMID: 23217329, 23519211, 31742715). The frequency data for this variant in the population databases is considered unreliable, as metrics indicate poor data quality at this position in the gnomAD database. This variant has not been reported in the literature in individuals affected with RXYLT1-related conditions. For these reasons, this variant has been classified as Pathogenic.

Literature cited by the submitters: PubMed 23217329; PubMed 23519211; PubMed 31742715.